The following is an entry in ClinVar:

ClinVar aggregate classification (germline): Uncertain significance (1 of 4 stars; one submission).

Allele frequency attached by ClinVar (database versions not stated): gnomAD exomes below 0.00001; TOPMed below 0.00001.
gnomAD v4.1: 1 of 1,614,226 alleles (0.000062%); highest among the groups gnomAD compares: African/African-American, 0.0013%; no homozygotes.

Submission:

Ambry Genetics
Classification: Uncertain significance. Last evaluated: 2023-11-27. Review status: criteria provided, single submitter. Criteria: Ambry Variant Classification Scheme 2023. Collection method: clinical testing. Allele origin: germline.
Comment: The p.R2053K variant (also known as c.6158G>A), located in coding exon 10 of the ALPK2 gene, results from a G to A substitution at nucleotide position 6158. The arginine at codon 2053 is replaced by lysine, an amino acid with highly similar properties. This amino acid position is conserved. In addition, this alteration is predicted to be tolerated by in silico analysis. Since supporting evidence is limited at this time, the clinical significance of this alteration remains unclear.

NM_052947.4(ALPK2):c.6158G>A (p.Arg2053Lys)

Gene: ALPK2 (alpha kinase 2; minus strand). Cytogenetic location: 18q21.31.
Variant type: single nucleotide variant.
Coding change: c.6158G>A on transcript NM_052947.4 (MANE Select); coding-DNA position 6158, G replaced by A.
Protein change: p.Arg2053Lys; replaces arginine 2053 with lysine.
Molecular consequence: missense variant.
Genome position (GRCh38, 1-based): chr18:58,504,020, C>T on the plus strand (G>A on the coding strand, the complement: ALPK2 is on the minus strand). VCF-style: chr18-58504020-C-T. GRCh37 (hg19) VCF-style: chr18-56171252-C-T.
Other names: short protein forms R2053K.
Identifiers: ClinVar variation 3228846 (VCV003228846.1), dbSNP rs2051447326, ClinGen allele CA402543596.
Genomic context (GRCh38, chr18:58,504,020, plus strand): 5'-CTTGTTTTCTGGTACACCCAGTGCTGGAAGGTGCAACATTTCTGACCAGCTTCTGATTCT[C>T]TTCTCAAGAAGTTTATTTCTTTCCCATCCCTGATGGAATACTTCACAAATTCTCCAATCA-3'
Protein context (NP_443179.3, residues 2043-2063): RDGKEINFLR[Arg2053Lys]ESEAGQKCCT